The following is an entry in ClinVar:

ClinVar aggregate classification (germline): Uncertain significance (1 of 4 stars; one submission).

gnomAD v4.1: 1 of 1,613,890 alleles (0.000062%); no homozygotes.

Submission:

Labcorp Genetics (formerly Invitae), Labcorp
Classification: Uncertain significance. Last evaluated: 2025-10-15. Review status: criteria provided, single submitter. Criteria: Invitae Variant Classification Sherloc (09022015). Collection method: clinical testing. Allele origin: germline.
Comment: This sequence change replaces lysine, which is basic and polar, with glutamic acid, which is acidic and polar, at codon 590 of the MYO7A protein (p.Lys590Glu). This variant is not present in population databases (gnomAD no frequency). This variant has not been reported in the literature in individuals affected with MYO7A-related conditions. ClinVar contains an entry for this variant (Variation ID: 2781989). Invitae Evidence Modeling of protein sequence and biophysical properties (such as structural, functional, and spatial information, amino acid conservation, physicochemical variation, residue mobility, and thermodynamic stability) indicates that this missense variant is not expected to disrupt MYO7A protein function with a negative predictive value of 95%. In summary, the available evidence is currently insufficient to determine the role of this variant in disease. Therefore, it has been classified as a Variant of Uncertain Significance.

NM_000260.4(MYO7A):c.1768A>G (p.Lys590Glu)

Gene: MYO7A (myosin VIIA; plus strand). Cytogenetic location: 11q13.5.
Variant type: single nucleotide variant.
Coding change: c.1768A>G on transcript NM_000260.4 (MANE Select); coding-DNA position 1768, A replaced by G.
Protein change: p.Lys590Glu; replaces lysine 590 with glutamic acid.
Molecular consequence: missense variant.
Genome position (GRCh38, 1-based): chr11:77,166,133, A>G. VCF-style: chr11-77166133-A-G. GRCh37 (hg19) VCF-style: chr11-76877179-A-G.
Other names: c.1768A>G, p.Lys590Glu (NM_001127180.2); c.1735A>G, p.Lys579Glu (NM_001369365.1); short protein forms K590E, K579E.
Identifiers: ClinVar variation 2781989 (VCV002781989.3), dbSNP rs2496935039, ClinGen allele CA381937165.